The following is an entry in ClinVar:

NC_000009.11:g.(?_2170399)_(2170492_?)del

Gene: SMARCA2 (SWI/SNF related BAF chromatin remodeling complex subunit ATPase 2; plus strand). Cytogenetic location: 9p24.3.
Variant type: Deletion.
Identifiers: ClinVar variation 2424620 (VCV002424620.2).

ClinVar aggregate classification (germline): Uncertain significance (1 of 4 stars; one submission).

Submission:

Labcorp Genetics (formerly Invitae), Labcorp
Classification: Uncertain significance. Last evaluated: 2022-10-17. Review status: criteria provided, single submitter. Criteria: Invitae Variant Classification Sherloc (09022015). Collection method: clinical testing. Allele origin: germline.
Comment: In summary, the available evidence is currently insufficient to determine the role of this variant in disease. Therefore, it has been classified as a Variant of Uncertain Significance. This variant has not been reported in the literature in individuals affected with SMARCA2-related conditions. This variant is a gross deletion of the genomic region encompassing exon(s) 29 of the SMARCA2 gene. This variant would be expected to be in-frame, preserving the integrity of the reading frame.